The following is an entry in ClinVar:

ClinVar aggregate classification (germline): Pathogenic (1 of 4 stars; one submission).

Conditions:
Spastic paraplegia. Identifiers: MedGen C0037772, HP:0001258.

Allele frequency attached by ClinVar (database versions not stated): gnomAD exomes below 0.00001.

Submission:

Labcorp Genetics (formerly Invitae), Labcorp
Classification: Pathogenic for Spastic paraplegia. Last evaluated: 2022-04-10. Review status: criteria provided, single submitter. Criteria: Invitae Variant Classification Sherloc (09022015). Collection method: clinical testing. Allele origin: germline.
Comment: This sequence change creates a premature translational stop signal (p.Trp679*) in the GBA2 gene. It is expected to result in an absent or disrupted protein product. Loss-of-function variants in GBA2 are known to be pathogenic (PMID: 23332916, 23332917). For these reasons, this variant has been classified as Pathogenic. Algorithms developed to predict the effect of sequence changes on RNA splicing suggest that this variant may create or strengthen a splice site. This variant has not been reported in the literature in individuals affected with GBA2-related conditions. This variant is not present in population databases (gnomAD no frequency).

Literature cited by the submitters: PubMed 23332916; PubMed 23332917.

NM_020944.3(GBA2):c.2036G>A (p.Trp679Ter)

Gene: GBA2 (glucosylceramidase beta 2; minus strand). Cytogenetic location: 9p13.3.
Variant type: single nucleotide variant.
Coding change: c.2036G>A on transcript NM_020944.3 (MANE Select); coding-DNA position 2036, G replaced by A.
Protein change: p.Trp679Ter; replaces tryptophan 679 with a stop codon.
Molecular consequence: nonsense.
Genome position (GRCh38, 1-based): chr9:35,738,544, C>T on the plus strand (G>A on the coding strand, the complement: GBA2 is on the minus strand). VCF-style: chr9-35738544-C-T. GRCh37 (hg19) VCF-style: chr9-35738541-C-T.
Other names: c.2036G>A, p.Trp679Ter (NM_001330660.2); short protein forms W679*.
Identifiers: ClinVar variation 1451525 (VCV001451525.6), dbSNP rs2131951562, ClinGen allele CA373408613.
Genomic context (GRCh38, chr9:35,738,544, plus strand): 5'-AGTTTCTCACCTCAGGCCTCCTGGAAACCCCTACCCGCTAACCTGGGGCCTGTGGTCACC[C>T]ATCCATCATAGGTCTGGTCTGCATAGCCTCCATTTTCAATGAGTCCATCATGGTCCTTGT-3'